The following is an entry in ClinVar:

ClinVar aggregate classification (germline): Uncertain significance (1 of 4 stars; one submission).

Allele frequency attached by ClinVar (database versions not stated): gnomAD exomes below 0.00001; gnomAD 0.00001; TOPMed 0.00006.
gnomAD v4.1: 3 of 1,209,401 alleles (0.00025%); highest among the groups gnomAD compares: Admixed American, 0.0022%; no homozygotes.

Submission:

GeneDx
Classification: Uncertain significance. Last evaluated: 2016-12-12. Review status: criteria provided, single submitter. Criteria: GeneDx Variant Classification (06012015). Collection method: clinical testing. Allele origin: germline. Affected: yes.
Comment: The G271E variant in the DDX53 gene has not been reported previously as a pathogenic variant, nor as a benign variant, to our knowledge. The G271E variant was not observed in approximately 6500 individuals of European and African American ancestry in the NHLBI Exome Sequencing Project, indicating it is not a common benign variant in these populations. The G271E variant is a non-conservative amino acid substitution, which is likely to impact secondary protein structure as these residues differ in polarity, charge, size and/or other properties. This substitution occurs at a position that is conserved across species. In silico analysis predicts this variant is probably damaging to the protein structure/function. We interpret G271E as a variant of uncertain significance.

NM_182699.4(DDX53):c.812G>A (p.Gly271Glu)

Genes: DDX53 (DEAD-box helicase 53; plus strand), PTCHD1-AS (PTCHD1 antisense RNA (head to head); minus strand). Cytogenetic location: Xp22.11.
Variant type: single nucleotide variant.
Coding change: c.812G>A on transcript NM_182699.4 (MANE Select); coding-DNA position 812, G replaced by A.
Protein change: p.Gly271Glu; replaces glycine 271 with glutamic acid.
Molecular consequence: missense variant.
Genome position (GRCh38, 1-based): chrX:23,000,869, G>A. VCF-style: chrX-23000869-G-A. GRCh37 (hg19) VCF-style: chrX-23018986-G-A.
Other names: short protein forms G271E.
Identifiers: ClinVar variation 373454 (VCV000373454.1), dbSNP rs1057518429, ClinGen allele CA16043253.
Genomic context (GRCh38, chrX:23,000,869, plus strand): 5'-AGGCATGGCCAATTATTCTACAAGGAATAGATCTTATAGTAGTTGCACAAACCGGAACAG[G>A]GAAAACATTGTCCTATCTAATGCCTGGGTTTATTCATCTTGATTCTCAACCAATATCTAG-3'
Protein context (NP_874358.2, residues 261-281): DLIVVAQTGT[Gly271Glu]KTLSYLMPGF